The following is an entry in ClinVar:

ClinVar aggregate classification (germline): Pathogenic (1 of 4 stars; one submission).

Conditions:
Hereditary spastic paraplegia 7 (SPG7). Also called: SPG7-related neurologic disorder; Autosomal recessive spastic paraplegia type 7; SPASTIC PARAPLEGIA 7, AUTOSOMAL RECESSIVE, WITH OR WITHOUT CEREBELLAR ATAXIA; Spastic paraplegia 7; Hereditary spastic paraplegia Paraplegin type. Identifiers: Orphanet 99013, MedGen C1846564, MONDO:0011803, OMIM 607259.

Allele frequency attached by ClinVar (database versions not stated): gnomAD exomes below 0.00001.
gnomAD v4.1: 1 of 1,613,710 alleles (0.000062%); highest among the groups gnomAD compares: African/African-American, 0.0013%; no homozygotes.

Submission:

3billion
Classification: Pathogenic for Hereditary spastic paraplegia 7. Review status: criteria provided, single submitter. Criteria: ACMG Guidelines, 2015. Collection method: clinical testing. Allele origin: unknown. Affected: yes. Observed: 1 homozygote.
Comment: The variant is not observed in the gnomAD v2.1.1 dataset. The variant is predicted to result in a loss or disruption of normal protein function through nonsense-mediated decay (NMD) or protein truncation. Multiple pathogenic variants are reported downstream of the variant. Therefore, this variant is classified as Pathogenic according to the recommendation of ACMG/AMP guideline.

NM_003119.4(SPG7):c.1303C>T (p.Gln435Ter)

Gene: SPG7 (SPG7 matrix AAA peptidase subunit, paraplegin; plus strand). Cytogenetic location: 16q24.3.
Variant type: single nucleotide variant.
Coding change: c.1303C>T on transcript NM_003119.4 (MANE Select); coding-DNA position 1303, C replaced by T.
Protein change: p.Gln435Ter; replaces glutamine 435 with a stop codon.
Molecular consequence: nonsense.
Genome position (GRCh38, 1-based): chr16:89,532,615, C>T. VCF-style: chr16-89532615-C-T. GRCh37 (hg19) VCF-style: chr16-89599023-C-T.
Other names: c.1303C>T, p.Gln435Ter (NM_001363850.1, NM_199367.3); short protein forms Q435*.
Identifiers: ClinVar variation 2572387 (VCV002572387.1), dbSNP rs2543766832, ClinGen allele CA397421264.